The following is an entry in ClinVar:

NM_006329.4(FBLN5):c.142A>G (p.Thr48Ala)

Gene: FBLN5 (fibulin 5; minus strand). Cytogenetic location: 14q32.12.
Variant type: single nucleotide variant.
Coding change: c.142A>G on transcript NM_006329.4 (MANE Select); coding-DNA position 142, A replaced by G.
Protein change: p.Thr48Ala; replaces threonine 48 with alanine.
Molecular consequence: missense variant. On other transcripts: 5 prime UTR variant (2).
Genome position (GRCh38, 1-based): chr14:91,937,184, T>C on the plus strand (A>G on the coding strand, the complement: FBLN5 is on the minus strand). VCF-style: chr14-91937184-T-C. GRCh37 (hg19) VCF-style: chr14-92403528-T-C.
Other names: c.265A>G, p.Thr89Ala (NM_001384158.1); c.193A>G, p.Thr65Ala (NM_001384159.1); c.142A>G, p.Thr48Ala (NM_001384160.1); c.-27A>G (NM_001384161.1, NM_001384162.1); short protein forms T48A, T89A, T65A.
Identifiers: ClinVar variation 2117277 (VCV002117277.4), dbSNP rs750766567, ClinGen allele CA7312925.
Genomic context (GRCh38, chr14:91,937,184, plus strand): 5'-ATAAATACCCGCCATTTTGGTTAACACACATCATGTCTCCTCGGCAGGCCTCGGGGATGG[T>C]TCGGCATTCATCAATATCTGAAAGGCACAGAAAGGGCGAGCATTAGTGGCACCCCAACTG-3'
Protein context (NP_006320.2, residues 38-58): GQCLDIDECR[Thr48Ala]IPEACRGDMM

ClinVar aggregate classification (germline): Uncertain significance (1 of 4 stars; one submission).

Allele frequency attached by ClinVar (database versions not stated): gnomAD exomes below 0.00001; ExAC 0.00001.
gnomAD v4.1: 3 of 1,614,150 alleles (0.00019%); highest among the groups gnomAD compares: Non-Finnish European, 0.00017%; no homozygotes.

Submission:

Labcorp Genetics (formerly Invitae), Labcorp
Classification: Uncertain significance. Last evaluated: 2024-08-06. Review status: criteria provided, single submitter. Criteria: Invitae Variant Classification Sherloc (09022015). Collection method: clinical testing. Allele origin: germline.
Comment: This sequence change replaces threonine, which is neutral and polar, with alanine, which is neutral and non-polar, at codon 48 of the FBLN5 protein (p.Thr48Ala). This variant is present in population databases (rs750766567, gnomAD 0.0009%). This variant has not been reported in the literature in individuals affected with FBLN5-related conditions. ClinVar contains an entry for this variant (Variation ID: 2117277). An algorithm developed to predict the effect of missense changes on protein structure and function (PolyPhen-2) suggests that this variant is likely to be tolerated. In summary, the available evidence is currently insufficient to determine the role of this variant in disease. Therefore, it has been classified as a Variant of Uncertain Significance.